The following is an entry in ClinVar:

NM_001134407.3(GRIN2A):c.990G>A (p.Pro330=)

Gene: GRIN2A (glutamate ionotropic receptor NMDA type subunit 2A; minus strand). Cytogenetic location: 16p13.2.
Variant type: single nucleotide variant.
Coding change: c.990G>A on transcript NM_001134407.3 (MANE Select); coding-DNA position 990, G replaced by A.
Protein change: p.Pro330=; no amino-acid change (proline 330 retained).
Molecular consequence: synonymous variant.
Genome position (GRCh38, 1-based): chr16:9,937,976, C>T on the plus strand (G>A on the coding strand, the complement: GRIN2A is on the minus strand). VCF-style: chr16-9937976-C-T. GRCh37 (hg19) VCF-style: chr16-10031833-C-T.
Other names: c.990G>A, p.Pro330= (NM_000833.5, NM_001134408.2).
Identifiers: ClinVar variation 516513 (VCV000516513.43), dbSNP rs149902963, ClinGen allele CA7896860.

ClinVar aggregate classification (germline): Benign/Likely benign. Review status: criteria provided, multiple submitters, no conflicts (2 of 4 stars). 5 submissions from 5 submitters: Benign (1); Likely benign (4). Last evaluated 2025-10-16.

Conditions:
Landau-Kleffner syndrome (FESD). Also called: EPILEPSY, FOCAL, WITH SPEECH DISORDER AND WITH OR WITHOUT MENTAL RETARDATION; APHASIA, ACQUIRED, WITH EPILEPSY. Identifiers: Orphanet 1945, Orphanet 725, Orphanet 98818, MedGen C0282512, MONDO:0009509, OMIM 245570.

Allele frequency attached by ClinVar (database versions not stated): gnomAD exomes 0.00008; 1000 Genomes Project 30x 0.00031; gnomAD 0.00001; TOPMed 0.00002; 1000 Genomes Project 0.00020.
gnomAD v4.1: 117 of 1,613,420 alleles (0.0073%); highest among the groups gnomAD compares: Non-Finnish European, 0.009%; no homozygotes.

Submissions (5):

Labcorp Genetics (formerly Invitae), Labcorp
Classification: Likely benign for Landau-Kleffner syndrome. Last evaluated: 2025-10-16. Review status: criteria provided, single submitter. Criteria: Invitae Variant Classification Sherloc (09022015). Collection method: clinical testing. Allele origin: germline.

CeGaT Center for Human Genetics Tuebingen
Classification: Likely benign. Last evaluated: 2023-12-01. Review status: criteria provided, single submitter. Criteria: CeGaT Center For Human Genetics Tuebingen Variant Classification Criteria Version 2. Collection method: clinical testing. Allele origin: germline. Affected: yes. Observed: 2 variant alleles.
Comment: GRIN2A: BP4, BP7

Blueprint Genetics
Classification: Likely benign. Last evaluated: 2022-03-01. Review status: criteria provided, single submitter. Criteria: ACMG Guidelines, 2015. Collection method: clinical testing. Allele origin: germline.

Athena Diagnostics
Classification: Benign. Last evaluated: 2021-04-06. Review status: criteria provided, single submitter. Criteria: Athena Diagnostics criteria. Collection method: clinical testing. Allele origin: unknown.

GeneDx
Classification: Likely benign. Last evaluated: 2019-07-23. Review status: criteria provided, single submitter. Criteria: GeneDx Variant Classification Process June 2021. Collection method: clinical testing. Allele origin: germline. Affected: yes.